The following is an entry in ClinVar:

NM_014634.4(PPM1F):c.23A>G (p.Lys8Arg)

Gene: PPM1F (protein phosphatase, Mg2+/Mn2+ dependent 1F; minus strand). Cytogenetic location: 22q11.22.
Variant type: single nucleotide variant.
Coding change: c.23A>G on transcript NM_014634.4 (MANE Select); coding-DNA position 23, A replaced by G.
Protein change: p.Lys8Arg; replaces lysine 8 with arginine.
Molecular consequence: missense variant. On other transcripts: intron variant (1).
Genome position (GRCh38, 1-based): chr22:21,946,026, T>C on the plus strand (A>G on the coding strand, the complement: PPM1F is on the minus strand). VCF-style: chr22-21946026-T-C. GRCh37 (hg19) VCF-style: chr22-22300398-T-C.
Other names: c.-298-6346A>G (NM_001410836.1); short protein forms K8R.
Identifiers: ClinVar variation 2880820 (VCV002880820.3), dbSNP rs2070773893, ClinGen allele CA410833878.

ClinVar aggregate classification (germline): Uncertain significance (1 of 4 stars; one submission).

Allele frequency attached by ClinVar (database versions not stated): gnomAD exomes below 0.00001; TOPMed below 0.00001; gnomAD 0.00001.
gnomAD v4.1: 2 of 1,564,228 alleles (0.00013%); highest among the groups gnomAD compares: Non-Finnish European, 0.00017%; no homozygotes.

Submission:

Labcorp Genetics (formerly Invitae), Labcorp
Classification: Uncertain significance. Last evaluated: 2024-09-06. Review status: criteria provided, single submitter. Criteria: Invitae Variant Classification Sherloc (09022015). Collection method: clinical testing. Allele origin: germline.
Comment: This sequence change replaces lysine, which is basic and polar, with arginine, which is basic and polar, at codon 8 of the PPM1F protein (p.Lys8Arg). This variant is not present in population databases (gnomAD no frequency). This variant has not been reported in the literature in individuals affected with PPM1F-related conditions. An algorithm developed to predict the effect of missense changes on protein structure and function (PolyPhen-2) suggests that this variant is likely to be tolerated. In summary, the available evidence is currently insufficient to determine the role of this variant in disease. Therefore, it has been classified as a Variant of Uncertain Significance.